The following is an entry in ClinVar:

ClinVar aggregate classification (germline): Pathogenic (1 of 4 stars; one submission).

Submission:

Labcorp Genetics (formerly Invitae), Labcorp
Classification: Pathogenic. Last evaluated: 2022-05-12. Review status: criteria provided, single submitter. Criteria: Invitae Variant Classification Sherloc (09022015). Collection method: clinical testing. Allele origin: germline.
Comment: This sequence change creates a premature translational stop signal (p.Glu1377Glyfs*23) in the POLE gene. It is expected to result in an absent or disrupted protein product. Loss-of-function variants in POLE are known to be pathogenic (PMID: 23230001, 25948378, 30503519). This variant is not present in population databases (gnomAD no frequency). This variant has not been reported in the literature in individuals affected with POLE-related conditions. For these reasons, this variant has been classified as Pathogenic.

Literature cited by the submitters: PubMed 23230001; PubMed 25948378; PubMed 30503519.

NM_006231.4(POLE):c.4129dup (p.Glu1377fs)

Gene: POLE (DNA polymerase epsilon, catalytic subunit; minus strand). Cytogenetic location: 12q24.33.
Variant type: Duplication.
Coding change: c.4129dup on transcript NM_006231.4 (MANE Select); coding-DNA position 4129, one base duplicated (G; older notation c.4129dupG).
Protein change: p.Glu1377fs; shifts the reading frame from glutamic acid 1377.
Molecular consequence: frameshift variant.
Genome position (GRCh38, 1-based): chr12:132,648,949, C duplicated on the plus strand (G on the coding strand, the reverse complement: POLE is on the minus strand); the first of 2 consecutive C bases (chr12:132,648,949-132,648,950); duplicating either gives the same sequence. VCF-style (leftmost placement, unchanged base first): chr12-132648948-T-TC. GRCh37 (hg19) VCF-style: chr12-133225534-T-TC.
Other names: short protein forms E1377fs.
Identifiers: ClinVar variation 1449193 (VCV001449193.9), dbSNP rs2138596618, ClinGen allele CA2573148080.
Genomic context (GRCh38, chr12:132,648,948, plus strand): 5'-CTGCCCAGATGACTGCAGAGGCAGCACCAGCTCCTCCCTACCTTGCGATACGAAGCACCC[T>TC]CCTCCGCTTTAGCGACTCGCTGGTTCACGTAGAACACACGGGGGATGCTCAGCCTGATGC-3'